The following is an entry in ClinVar:

ClinVar aggregate classification (germline): Uncertain significance. Review status: criteria provided, multiple submitters, no conflicts (2 of 4 stars). 3 submissions from 3 submitters: Uncertain significance (2). 1 of the submissions does not count toward it. Last evaluated 2025-10-16.

Conditions:
PROC-related disorder. Also called: PROC-related condition.
Thrombophilia due to protein C deficiency, autosomal dominant. Also called: PROC DEFICIENCY, AUTOSOMAL DOMINANT; PROTEIN C DEFICIENCY, AUTOSOMAL DOMINANT. Identifiers: Orphanet 745, MedGen C2674321, MONDO:0008316, OMIM 176860. Disease mechanism: loss of function.

Allele frequency attached by ClinVar (database versions not stated): gnomAD 0.00001; gnomAD exomes 0.00001 and 0.00002; ExAC 0.00002; TOPMed 0.00002.
gnomAD v4.1: 23 of 1,613,754 alleles (0.0014%); highest among the groups gnomAD compares: East Asian, 0.0022%; no homozygotes.

Submissions (3):

Mayo Clinic Laboratories, Mayo Clinic
Classification: Uncertain significance. Last evaluated: 2025-10-16. Review status: criteria provided, single submitter. Criteria: ACMG Guidelines, 2015. Collection method: clinical testing. Allele origin: germline. Observed: 1 variant allele.
Comment: PS3, PS4_supporting

Labcorp Genetics (formerly Invitae), Labcorp
Classification: Uncertain significance for Thrombophilia due to protein C deficiency, autosomal dominant. Last evaluated: 2021-09-26. Review status: criteria provided, single submitter. Criteria: Invitae Variant Classification Sherloc (09022015). Collection method: clinical testing. Allele origin: germline.
Comment: This sequence change replaces arginine with cysteine at codon 40 of the PROC protein (p.Arg40Cys). The arginine residue is highly conserved and there is a large physicochemical difference between arginine and cysteine. This variant is present in population databases (rs199514227, ExAC 0.003%). This missense change has been observed in individual(s) with protein C deficiency (PMID: 7951255, 31254973). This variant is also known as 1381C>T (-3Arg>Cys). ClinVar contains an entry for this variant (Variation ID: 1043032). Algorithms developed to predict the effect of missense changes on protein structure and function are either unavailable or do not agree on the potential impact of this missense change (SIFT: "Deleterious"; PolyPhen-2: "Possibly Damaging"; Align-GVGD: "Class C0"). In summary, the available evidence is currently insufficient to determine the role of this variant in disease. Therefore, it has been classified as a Variant of Uncertain Significance.

PreventionGenetics, part of Exact Sciences
Classification: Uncertain significance for PROC-related condition. Last evaluated: 2023-10-30. Review status: no assertion criteria provided. Collection method: clinical testing. Allele origin: germline. Not counted in ClinVar's aggregate classification.
Comment: The PROC c.118C>T variant is predicted to result in the amino acid substitution p.Arg40Cys. This variant, also referred to as c.1381C>T (p.Arg-3Cys) and Murcia-2, has been reported one family with three affected individuals with impaired protein C activity and in a second family with two affected individuals (Gandrille et al 1994. PubMed ID: 7951255; Table S2 Martos L et al 2019. PubMed ID: 31254973). This variant is reported in 0.0040% of alleles in individuals of European (Finnish) descent in gnomAD. Although we suspect that this variant may be pathogenic, at this time, the clinical significance of this variant is uncertain due to the absence of conclusive functional and genetic evidence.

Literature cited by the submitters: PubMed 31254973 (cited by Mayo Clinic Laboratories, Mayo Clinic and Labcorp Genetics (formerly Invitae), Labcorp); PubMed 31680443 (cited by Mayo Clinic Laboratories, Mayo Clinic); PubMed 36338413 (cited by Mayo Clinic Laboratories, Mayo Clinic); PubMed 37393002 (cited by Mayo Clinic Laboratories, Mayo Clinic); PubMed 7951255 (cited by Mayo Clinic Laboratories, Mayo Clinic and Labcorp Genetics (formerly Invitae), Labcorp).

NM_000312.4(PROC):c.118C>T (p.Arg40Cys)

Gene: PROC (protein C, inactivator of coagulation factors Va and VIIIa; plus strand). Cytogenetic location: 2q14.3.
Variant type: single nucleotide variant.
Coding change: c.118C>T on transcript NM_000312.4 (MANE Select); coding-DNA position 118, C replaced by T.
Protein change: p.Arg40Cys; replaces arginine 40 with cysteine.
Molecular consequence: missense variant.
Genome position (GRCh38, 1-based): chr2:127,421,330, C>T. VCF-style: chr2-127421330-C-T. GRCh37 (hg19) VCF-style: chr2-128178906-C-T.
Other names: p.Arg40Cys; c.301C>T, p.Arg101Cys (NM_001375602.1); c.181C>T, p.Arg61Cys (NM_001375603.1, NM_001375604.1, NM_001375606.1); c.118C>T, p.Arg40Cys (NM_001375605.1, NM_001375608.1, NM_001375611.1 and 1 more transcripts); c.202C>T, p.Arg68Cys (NM_001375607.1); c.94C>T, p.Arg32Cys (NM_001375609.1); c.112C>T, p.Arg38Cys (NM_001375610.1); c.118C>T (NM_000312.3); short protein forms R40C, R68C, R38C, R101C, R32C, R61C.
Identifiers: ClinVar variation 1043032 (VCV001043032.6), dbSNP rs199514227, ClinGen allele CA1859243.